The following is an entry in ClinVar:

NM_006493.4(CLN5):c.172A>G (p.Lys58Glu)

Genes: CLN5 (CLN5 lysosomal BMP synthase; plus strand), LOC130009913 (ATAC-STARR-seq lymphoblastoid silent region 5414; plus strand). Cytogenetic location: 13q22.3.
Variant type: single nucleotide variant.
Coding change: c.172A>G on transcript NM_006493.4 (MANE Select); coding-DNA position 172, A replaced by G.
Protein change: p.Lys58Glu; replaces lysine 58 with glutamic acid.
Molecular consequence: missense variant.
Genome position (GRCh38, 1-based): chr13:76,992,270, A>G. VCF-style: chr13-76992270-A-G. GRCh37 (hg19) VCF-style: chr13-77566405-A-G.
Other names: c.172A>G, p.Lys58Glu (NM_001366624.2); short protein forms K107E, K58E.
Identifiers: ClinVar variation 1939409 (VCV001939409.3), dbSNP rs1280128886, ClinGen allele CA388306947.
Genomic context (GRCh38, chr13:76,992,270, plus strand): 5'-GTTCCGGGCTGGTCCCGGGTCTCGGGCATCCCCTCCCGGCGCCACTGGCCGGTGCCCTAC[A>G]AGTGAGTGCGGCGGCGCGCGCACTGTCGGGGTTGGGGTCGGCGTTGACGATGGGGGATGG-3'
Protein context (NP_006484.2, residues 48-68): PSRRHWPVPY[Lys58Glu]RFDFRPKPDP

ClinVar aggregate classification (germline): Uncertain significance (1 of 4 stars; one submission).

Conditions:
Neuronal ceroid lipofuscinosis. Also called: Neuronal Ceroid Lipofuscinoses. Identifiers: Orphanet 216, Orphanet 79263, MedGen C0027877, MONDO:0016295. Disease mechanism: loss of function.

Allele frequency attached by ClinVar (database versions not stated): TOPMed below 0.00001.
gnomAD v4.1: 11 of 1,567,862 alleles (0.0007%); highest among the groups gnomAD compares: East Asian, 0.0023%; no homozygotes.

Submission:

Labcorp Genetics (formerly Invitae), Labcorp
Classification: Uncertain significance for Neuronal ceroid lipofuscinosis. Last evaluated: 2025-04-16. Review status: criteria provided, single submitter. Criteria: Invitae Variant Classification Sherloc (09022015). Collection method: clinical testing. Allele origin: germline.
Comment: This sequence change replaces lysine, which is basic and polar, with glutamic acid, which is acidic and polar, at codon 107 of the CLN5 protein (p.Lys107Glu). This variant is not present in population databases (gnomAD no frequency). This variant has not been reported in the literature in individuals affected with CLN5-related conditions. ClinVar contains an entry for this variant (Variation ID: 1939409). An algorithm developed to predict the effect of missense changes on protein structure and function (PolyPhen-2) suggests that this variant is likely to be tolerated. In summary, the available evidence is currently insufficient to determine the role of this variant in disease. Therefore, it has been classified as a Variant of Uncertain Significance.